The following is an entry in ClinVar:

NM_001389.5(DSCAM):c.581A>T (p.Asn194Ile)

Gene: DSCAM (DS cell adhesion molecule; minus strand). Cytogenetic location: 21q22.2.
Variant type: single nucleotide variant.
Coding change: c.581A>T on transcript NM_001389.5 (MANE Select); coding-DNA position 581, A replaced by T.
Protein change: p.Asn194Ile; replaces asparagine 194 with isoleucine.
Molecular consequence: missense variant. On other transcripts: non-coding transcript variant (1).
Genome position (GRCh38, 1-based): chr21:40,369,173, T>A on the plus strand (A>T on the coding strand, the complement: DSCAM is on the minus strand). VCF-style: chr21-40369173-T-A. GRCh37 (hg19) VCF-style: chr21-41741100-T-A.
Other names: c.581A>T, p.Asn194Ile (NM_001271534.3, NM_206887.1); short protein forms N194I.
Identifiers: ClinVar variation 3029838 (VCV003029838.2), dbSNP rs2516907928, ClinGen allele CA410599397.
Genomic context (GRCh38, chr21:40,369,173, plus strand): 5'-CTGGCGCTGTTGCTCTGCCTCGTCTCTCCGGTGTATCGATGCCGCGTGATGCAGCGGTAG[T>A]TATACAATCCATCTTCATTCTGTACATCTTTAATATACAAGGCTCCCGTGGATGTGATGA-3'
Protein context (NP_001380.2, residues 184-204): KDVQNEDGLY[Asn194Ile]YRCITRHRYT

ClinVar aggregate classification (germline): Uncertain significance (0 of 4 stars; one submission).

Conditions:
DSCAM-related disorder. Also called: DSCAM-related condition.

Submission:

PreventionGenetics, part of Exact Sciences
Classification: Uncertain significance for DSCAM-related condition. Last evaluated: 2023-11-14. Review status: no assertion criteria provided. Collection method: clinical testing. Allele origin: germline.
Comment: The DSCAM c.581A>T variant is predicted to result in the amino acid substitution p.Asn194Ile. To our knowledge, this variant has not been reported in the literature or in a large population database, indicating this variant is rare. At this time, the clinical significance of this variant is uncertain due to the absence of conclusive functional and genetic evidence.